The following is an entry in ClinVar:

NM_001374736.1(DST):c.2326C>T (p.Pro776Ser)

Gene: DST (dystonin; minus strand). Cytogenetic location: 6p12.1.
Variant type: single nucleotide variant.
Coding change: c.2326C>T on transcript NM_001374736.1 (MANE Select); coding-DNA position 2326, C replaced by T.
Protein change: p.Pro776Ser; replaces proline 776 with serine.
Molecular consequence: missense variant.
Genome position (GRCh38, 1-based): chr6:56,640,307, G>A on the plus strand (C>T on the coding strand, the complement: DST is on the minus strand). VCF-style: chr6-56640307-G-A. GRCh37 (hg19) VCF-style: chr6-56505105-G-A.
Other names: c.2227C>T, p.Pro743Ser (NM_001144769.5); c.1813C>T, p.Pro605Ser (NM_001144770.2); c.2326C>T, p.Pro776Ser (NM_001374722.1); c.1693C>T, p.Pro565Ser (NM_001374729.1, NM_001374730.1, NM_001386100.1 and 1 more transcripts); c.2353C>T, p.Pro785Ser (NM_001374734.1); c.715C>T, p.Pro239Ser (NM_001723.7, NM_015548.5); short protein forms P239S, P776S, P785S, P605S, P743S, P565S.
Identifiers: ClinVar variation 1485798 (VCV001485798.7), dbSNP rs147511004, ClinGen allele CA3871450.

ClinVar aggregate classification (germline): Uncertain significance (1 of 4 stars; one submission).

Conditions:
Hereditary sensory and autonomic neuropathy type 6. Also called: HSAN VI; Neuropathy, hereditary sensory and autonomic, type VI. Identifiers: Orphanet 314381, MedGen C3539003, MONDO:0013839, OMIM 614653.
Epidermolysis bullosa simplex 3, localized or generalized intermediate, with BP230 deficiency (EBS3). Also called: Epidermolysis bullosa simplex, autosomal recessive 2; Epidermolysis bullosa simplex due to BP230 deficiency. Identifiers: Orphanet 412181, MedGen C3809470, MONDO:0014180, OMIM 615425.

Allele frequency attached by ClinVar (database versions not stated): gnomAD 0.00004 and 0.00006; TOPMed 0.00004; ESP Exome Variant Server 0.00015; 1000 Genomes Project 30x 0.00047; 1000 Genomes Project 0.00060.
gnomAD v4.1: 19 of 1,614,112 alleles (0.0012%); highest among the groups gnomAD compares: African/African-American, 0.023%; no homozygotes.

Submission:

Labcorp Genetics (formerly Invitae), Labcorp
Classification: Uncertain significance for Epidermolysis bullosa simplex 3, localized or generalized intermediate, with BP230 deficiency; Hereditary sensory and autonomic neuropathy type 6. Last evaluated: 2022-07-13. Review status: criteria provided, single submitter. Criteria: Invitae Variant Classification Sherloc (09022015). Collection method: clinical testing. Allele origin: germline.
Comment: This variant has not been reported in the literature in individuals affected with DST-related conditions. This sequence change replaces proline, which is neutral and non-polar, with serine, which is neutral and polar, at codon 239 of the DST protein (p.Pro239Ser). This variant is present in population databases (rs147511004, gnomAD 0.04%). ClinVar contains an entry for this variant (Variation ID: 1485798). Algorithms developed to predict the effect of missense changes on protein structure and function output the following: SIFT: "Tolerated"; PolyPhen-2: "Benign"; Align-GVGD: "Class C0". The serine amino acid residue is found in multiple mammalian species, which suggests that this missense change does not adversely affect protein function. In summary, the available evidence is currently insufficient to determine the role of this variant in disease. Therefore, it has been classified as a Variant of Uncertain Significance.